The following is an entry in ClinVar:

ClinVar aggregate classification (germline): Benign. Review status: criteria provided, multiple submitters, no conflicts (2 of 4 stars). 6 submissions from 6 submitters: Benign (6). Last evaluated 2026-02-04.

Conditions:
Cone-rod dystrophy 5 (CORD5). Identifiers: Orphanet 1872, MedGen C1832976, MONDO:0010969, OMIM 600977.

Allele frequency attached by ClinVar (database versions not stated): 1000 Genomes Project 0.91394; gnomAD 0.88525 and 0.88577; ESP Exome Variant Server 0.88905; 1000 Genomes Project 30x 0.91505; ExAC 0.86871; TOPMed 0.89369.

Submissions (6):

Labcorp Genetics (formerly Invitae), Labcorp
Classification: Benign. Last evaluated: 2026-02-04. Review status: criteria provided, single submitter. Criteria: Invitae Variant Classification Sherloc (09022015). Collection method: clinical testing. Allele origin: germline.

Genome-Nilou Lab
Classification: Benign for Cone-rod dystrophy 5. Last evaluated: 2021-09-05. Review status: criteria provided, single submitter. Criteria: ACMG Guidelines, 2015. Collection method: clinical testing. Allele origin: germline. Affected: no.

GeneDx
Classification: Benign. Last evaluated: 2018-04-26. Review status: criteria provided, single submitter. Criteria: GeneDx Variant Classification (06012015). Collection method: clinical testing. Allele origin: germline. Affected: yes.
Comment: This variant is considered likely benign or benign based on one or more of the following criteria: it is a conservative change, it occurs at a poorly conserved position in the protein, it is predicted to be benign by multiple in silico algorithms, and/or has population frequency not consistent with disease.

Illumina Laboratory Services, Illumina
Classification: Benign for Cone-rod dystrophy 5. Last evaluated: 2018-01-12. Review status: criteria provided, single submitter. Criteria: ICSL Variant Classification Criteria 13 December 2019. Collection method: clinical testing. Allele origin: germline.
Comment: This variant was observed in the ICSL laboratory as part of a predisposition screen in an ostensibly healthy population. It had not been previously curated by ICSL or reported in the Human Gene Mutation Database (HGMD: prior to June 1st, 2018), and was therefore a candidate for classification through an automated scoring system. Utilizing variant allele frequency, disease prevalence and penetrance estimates, and inheritance mode, an automated score was calculated to assess if this variant is too frequent to cause the disease. Based on the score and internal cut-off values, a variant classified as benign is not then subjected to further curation. The score for this variant resulted in a classification of benign for this disease.

Breakthrough Genomics
Classification: Benign. Review status: criteria provided, single submitter. Criteria: ACMG Guidelines, 2015. Collection method: not provided. Allele origin: germline. Inheritance: Autosomal dominant inheritance. Affected: yes.

PreventionGenetics, part of Exact Sciences
Classification: Benign. Review status: criteria provided, single submitter. Criteria: ACMG Guidelines, 2015. Collection method: clinical testing. Allele origin: germline.

NM_031220.4(PITPNM3):c.2430T>C (p.Asp810=)

Gene: PITPNM3 (PITPNM family member 3; minus strand). Cytogenetic location: 17p13.2.
Variant type: single nucleotide variant.
Coding change: c.2430T>C on transcript NM_031220.4 (MANE Select); coding-DNA position 2430, T replaced by C.
Protein change: p.Asp810=; no amino-acid change (aspartic acid 810 retained).
Molecular consequence: synonymous variant.
Genome position (GRCh38, 1-based): chr17:6,461,433, A>G on the plus strand (T>C on the coding strand, the complement: PITPNM3 is on the minus strand). VCF-style: chr17-6461433-A-G. GRCh37 (hg19) VCF-style: chr17-6364753-A-G.
Other names: c.2322T>C, p.Asp774= (NM_001165966.2).
Identifiers: ClinVar variation 261946 (VCV000261946.18), dbSNP rs11654099, ClinGen allele CA8329180.